The following is an entry in ClinVar:

NM_014423.4(AFF4):c.1465G>A (p.Ala489Thr)

Gene: AFF4 (ALF transcription elongation factor 4; minus strand). Cytogenetic location: 5q31.1.
Variant type: single nucleotide variant.
Coding change: c.1465G>A on transcript NM_014423.4 (MANE Select); coding-DNA position 1465, G replaced by A.
Protein change: p.Ala489Thr; replaces alanine 489 with threonine.
Molecular consequence: missense variant.
Genome position (GRCh38, 1-based): chr5:132,897,165, C>T on the plus strand (G>A on the coding strand, the complement: AFF4 is on the minus strand). VCF-style: chr5-132897165-C-T. GRCh37 (hg19) VCF-style: chr5-132232857-C-T.
Other names: short protein forms A489T.
Identifiers: ClinVar variation 4247884 (VCV004247884.2).

ClinVar aggregate classification (germline): Uncertain significance. Review status: criteria provided, multiple submitters, no conflicts (2 of 4 stars). 2 submissions from 2 submitters: Uncertain significance (2). Last evaluated 2025-08-29.

Conditions:
Inborn genetic diseases. Identifiers: MedGen C0950123, MeSH D030342.
Cognitive impairment - coarse facies - heart defects - obesity - pulmonary involvement - short stature - skeletal dysplasia syndrome. Also called: Chops syndrome; COGNITIVE IMPAIRMENT, COARSE FACIES, HEART DEFECTS, OBESITY, PULMONARY INVOLVEMENT, SHORT STATURE, AND SKELETAL DYSPLASIA; AFF4-Related CHOPS Syndrome. Identifiers: Orphanet 444077, MedGen C4085597, MONDO:0014609, OMIM 616368.

gnomAD v4.1: 13 of 1,614,150 alleles (0.00081%); highest among the groups gnomAD compares: Admixed American, 0.0017%; no homozygotes.

Submissions (2):

Ambry Genetics
Classification: Uncertain significance for Inborn genetic diseases. Last evaluated: 2025-08-29. Review status: criteria provided, single submitter. Criteria: Ambry Variant Classification Scheme 2023. Collection method: clinical testing. Allele origin: germline.

Labcorp Genetics (formerly Invitae), Labcorp
Classification: Uncertain significance for Cognitive impairment - coarse facies - heart defects - obesity - pulmonary involvement - short stature - skeletal dysplasia syndrome. Last evaluated: 2025-02-20. Review status: criteria provided, single submitter. Criteria: Invitae Variant Classification Sherloc (09022015). Collection method: clinical testing. Allele origin: germline.
Comment: This sequence change replaces alanine, which is neutral and non-polar, with threonine, which is neutral and polar, at codon 489 of the AFF4 protein (p.Ala489Thr). This variant is present in population databases (rs776333438, gnomAD 0.003%). This variant has not been reported in the literature in individuals affected with AFF4-related conditions. Invitae Evidence Modeling of protein sequence and biophysical properties (such as structural, functional, and spatial information, amino acid conservation, physicochemical variation, residue mobility, and thermodynamic stability) indicates that this missense variant is not expected to disrupt AFF4 protein function with a negative predictive value of 80%. In summary, the available evidence is currently insufficient to determine the role of this variant in disease. Therefore, it has been classified as a Variant of Uncertain Significance.